The following is an entry in ClinVar:

NM_000465.4(BARD1):c.1013C>A (p.Thr338Asn)

Gene: BARD1 (BRCA1 associated RING domain 1; minus strand). Cytogenetic location: 2q35.
Variant type: single nucleotide variant.
Coding change: c.1013C>A on transcript NM_000465.4 (MANE Select); coding-DNA position 1013, C replaced by A.
Protein change: p.Thr338Asn; replaces threonine 338 with asparagine.
Molecular consequence: missense variant. On other transcripts: non-coding transcript variant (2), intron variant (3).
Genome position (GRCh38, 1-based): chr2:214,780,861, G>T on the plus strand (C>A on the coding strand, the complement: BARD1 is on the minus strand). VCF-style: chr2-214780861-G-T. GRCh37 (hg19) VCF-style: chr2-215645585-G-T.
Other names: c.956C>A, p.Thr319Asn (NM_001282543.2); c.159-28306C>A (NM_001282548.2); c.215+16200C>A (NM_001282545.2); c.364+11436C>A (NM_001282549.2); short protein forms T338N, T319N.
Identifiers: ClinVar variation 140842 (VCV000140842.24), dbSNP rs587781313, ClinGen allele CA163716.

ClinVar aggregate classification (germline): Conflicting classifications of pathogenicity. Review status: criteria provided, conflicting classifications (1 of 4 stars). 7 submissions from 7 submitters: Uncertain significance (6); Likely benign (1). Last evaluated 2026-02-11.

Conditions:
Hereditary cancer-predisposing syndrome. Also called: Neoplastic Syndromes, Hereditary; Tumor predisposition; Hereditary Cancer Syndrome; Hereditary neoplastic syndrome. Identifiers: Orphanet 140162, MedGen C0027672, MeSH D009386, MONDO:0015356.
Familial cancer of breast. Also called: BREAST CANCER, FAMILIAL; Hereditary breast cancer; hereditary breast carcinoma. Identifiers: Orphanet 227535, MedGen C0346153, MONDO:0016419, OMIM 114480. Disease mechanism: loss of function.

Allele frequency attached by ClinVar (database versions not stated): gnomAD exomes below 0.00001; ExAC 0.00001; gnomAD 0.00001; TOPMed 0.00001.
gnomAD v4.1: 2 of 1,613,968 alleles (0.00012%); highest among the groups gnomAD compares: African/African-American, 0.0013%; no homozygotes.

Submissions (7):

St. Jude Molecular Pathology, St. Jude Children's Research Hospital
Classification: Uncertain significance for Familial cancer of breast. Last evaluated: 2026-02-11. Review status: criteria provided, single submitter. Criteria: St. Jude Assertion Criteria 2020. Collection method: clinical testing. Allele origin: germline.
Comment: The BARD1 c.1013C>A p.(Thr338Asn) missense change has a maximum subpopulation frequency of 0.014% in gnomAD v2.1.1, where it is primarily found in the European Finnish population. The in silico tool REVEL predicts a benign effect on protein function, but to our knowledge this prediction has not been confirmed by functional studies. To our knowledge, this variant has not been reported in individuals with BARD1-related disease. In summary, the evidence currently available is insufficient to determine the clinical significance of this variant. It has therefore been classified as of uncertain significance.

Labcorp Genetics (formerly Invitae), Labcorp
Classification: Uncertain significance for Familial cancer of breast. Last evaluated: 2025-10-06. Review status: criteria provided, single submitter. Criteria: Invitae Variant Classification Sherloc (09022015). Collection method: clinical testing. Allele origin: germline.
Comment: This sequence change replaces threonine, which is neutral and polar, with asparagine, which is neutral and polar, at codon 338 of the BARD1 protein (p.Thr338Asn). This variant is present in population databases (rs587781313, gnomAD 0.004%). This variant has not been reported in the literature in individuals affected with BARD1-related conditions. ClinVar contains an entry for this variant (Variation ID: 140842). An algorithm developed to predict the effect of missense changes on protein structure and function outputs the following: PolyPhen-2: "Benign". The asparagine amino acid residue is found in multiple mammalian species, which suggests that this missense change does not adversely affect protein function. In summary, the available evidence is currently insufficient to determine the role of this variant in disease. Therefore, it has been classified as a Variant of Uncertain Significance.

Quest Diagnostics Nichols Institute San Juan Capistrano
Classification: Uncertain significance. Last evaluated: 2025-08-13. Review status: criteria provided, single submitter. Criteria: Quest Diagnostics criteria. Collection method: clinical testing. Allele origin: unknown.
Comment: The BARD1 c.1013C>A (p.Thr338Asn) variant has been reported in the published literature in a large-scale breast cancer association study, where the variant has been observed in reportedly unaffected individuals (PMID: 33471991 (2021), see also LOVD). The frequency of this variant in the general population (Genome Aggregation Database) is uninformative in the assessment of its pathogenicity. Analysis of this variant using bioinformatics tools for the prediction of the effect of amino acid changes on protein structure and function yielded predictions that this variant is benign. Based on the available information, we are unable to determine the clinical significance of this variant.

Ambry Genetics
Classification: Likely benign for Hereditary cancer-predisposing syndrome. Last evaluated: 2024-02-26. Review status: criteria provided, single submitter. Criteria: Ambry Variant Classification Scheme 2023. Collection method: clinical testing. Allele origin: germline.

GeneDx
Classification: Uncertain significance. Last evaluated: 2022-12-22. Review status: criteria provided, single submitter. Criteria: GeneDx Variant Classification Process June 2021. Collection method: clinical testing. Allele origin: germline. Affected: yes.
Comment: Not observed at significant frequency in large population cohorts (gnomAD); In silico analysis supports that this missense variant does not alter protein structure/function; Has not been previously published as pathogenic or benign to our knowledge

Color Diagnostics, LLC DBA Color Health
Classification: Uncertain significance for Hereditary cancer-predisposing syndrome. Last evaluated: 2022-04-06. Review status: criteria provided, single submitter. Criteria: ACMG Guidelines, 2015. Collection method: clinical testing. Allele origin: germline.
Comment: This missense variant replaces threonine with asparagine at codon 338 of the BARD1 protein. Computational prediction suggests that this variant may not impact protein structure and function (internally defined REVEL score threshold <= 0.5, PMID: 27666373). To our knowledge, functional studies have not been reported for this variant. This variant has been detected in a breast cancer case-control meta-analysis in 0/60463 cases and 2/53461 unaffected individuals (PMID: 33471991; Leiden Open Variation Database DB-ID BARD1_000327). This variant has been identified in 2/282556 chromosomes in the general population by the Genome Aggregation Database (gnomAD). The available evidence is insufficient to determine the role of this variant in disease conclusively. Therefore, this variant is classified as a Variant of Uncertain Significance.

Women's Health and Genetics/Laboratory Corporation of America, LabCorp
Classification: Uncertain significance. Last evaluated: 2021-05-30. Review status: criteria provided, single submitter. Criteria: LabCorp Variant Classification Summary - May 2015. Collection method: clinical testing. Allele origin: germline.
Comment: Variant summary: BARD1 c.1013C>A (p.Thr338Asn) results in a non-conservative amino acid change in the encoded protein sequence. Four of five in-silico tools predict a benign effect of the variant on protein function. The variant allele was found at a frequency of 4e-06 in 251154 control chromosomes. The available data on variant occurrences in the general population are insufficient to allow any conclusion about variant significance. To our knowledge, no occurrence of c.1013C>A in individuals affected with Breast Cancer and no experimental evidence demonstrating its impact on protein function have been reported. Three clinical diagnostic laboratories have submitted clinical-significance assessments for this variant to ClinVar after 2014 without evidence for independent evaluation. All laboratories classified the variant as uncertain significance. Based on the evidence outlined above, the variant was classified as uncertain significance.

Literature cited by the submitters: PubMed 33471991 (cited by Quest Diagnostics Nichols Institute San Juan Capistrano and Color Diagnostics, LLC DBA Color Health).